The following is an entry in ClinVar:

ClinVar aggregate classification (germline): Pathogenic (1 of 4 stars; one submission).

Submission:

Labcorp Genetics (formerly Invitae), Labcorp
Classification: Pathogenic. Last evaluated: 2021-10-13. Review status: criteria provided, single submitter. Criteria: Invitae Variant Classification Sherloc (09022015). Collection method: clinical testing. Allele origin: germline.
Comment: For these reasons, this variant has been classified as Pathogenic. This variant disrupts a region of the LCA5 protein in which other variant(s) (p.Lys586*) have been determined to be pathogenic (PMID: 23946133, 27624628). This suggests that this is a clinically significant region of the protein, and that variants that disrupt it are likely to be disease-causing. This variant has not been reported in the literature in individuals affected with LCA5-related conditions. This variant is not present in population databases (ExAC no frequency). This sequence change creates a premature translational stop signal (p.Gln442*) in the LCA5 gene. While this is not anticipated to result in nonsense mediated decay, it is expected to disrupt the last 256 amino acid(s) of the LCA5 protein.

Literature cited by the submitters: PubMed 23946133; PubMed 27624628.

NM_001122769.3(LCA5):c.1324C>T (p.Gln442Ter)

Gene: LCA5 (lebercilin LCA5; minus strand). Cytogenetic location: 6q14.1.
Variant type: single nucleotide variant.
Coding change: c.1324C>T on transcript NM_001122769.3 (MANE Select); coding-DNA position 1324, C replaced by T.
Protein change: p.Gln442Ter; replaces glutamine 442 with a stop codon.
Molecular consequence: nonsense.
Genome position (GRCh38, 1-based): chr6:79,487,774, G>A on the plus strand (C>T on the coding strand, the complement: LCA5 is on the minus strand). VCF-style: chr6-79487774-G-A. GRCh37 (hg19) VCF-style: chr6-80197491-G-A.
Other names: c.1324C>T, p.Gln442Ter (NM_181714.4); short protein forms Q442*.
Identifiers: ClinVar variation 1437939 (VCV001437939.6), dbSNP rs2127666049, ClinGen allele CA364641151.
Genomic context (GRCh38, chr6:79,487,774, plus strand): 5'-GTCTTTCTTCTTCCTCTCCTTGCAATTTATCCATATTCTGAATTGGATACATTCCTAGTT[G>A]GTACCTTCCAGTTTCCCACTCTGGCTTTTCTTCTCTTTCCAGTAAAGATGCCTTTTCTTT-3'